The following is an entry in ClinVar:

NM_020686.6(ABAT):c.1287C>A (p.Phe429Leu)

Gene: ABAT (4-aminobutyrate aminotransferase; plus strand). Cytogenetic location: 16p13.2.
Variant type: single nucleotide variant.
Coding change: c.1287C>A on transcript NM_020686.6 (MANE Select); coding-DNA position 1287, C replaced by A.
Protein change: p.Phe429Leu; replaces phenylalanine 429 with leucine.
Molecular consequence: missense variant. On other transcripts: intron variant (1).
Genome position (GRCh38, 1-based): chr16:8,779,496, C>A. VCF-style: chr16-8779496-C-A. GRCh37 (hg19) VCF-style: chr16-8873353-C-A.
Other names: c.1287C>A, p.Phe429Leu (NM_000663.5, NM_001127448.2, NM_001386600.1 and 5 more transcripts); c.1248C>A, p.Phe416Leu (NM_001386605.1); c.1224C>A, p.Phe408Leu (NM_001386606.1, NM_001386607.1); c.1194C>A, p.Phe398Leu (NM_001386608.1); c.1152C>A, p.Phe384Leu (NM_001386610.1, NM_001386611.1); c.1089C>A, p.Phe363Leu (NM_001386612.1, NM_001386613.1); c.1041C>A, p.Phe347Leu (NM_001386614.1); c.1383C>A, p.Phe461Leu (NM_001386615.1); and 1 more; short protein forms F408L, F416L, F429L, F461L, F347L, F363L, F384L, F398L.
Identifiers: ClinVar variation 1369528 (VCV001369528.5), dbSNP rs772526517, ClinGen allele CA7893514.

ClinVar aggregate classification (germline): Uncertain significance (1 of 4 stars; one submission).

Conditions:
Gamma-aminobutyric acid transaminase deficiency (GABATD). Also called: GABA aminotransaminase deficiency; GABA transaminase deficiency; Gamma aminobutyrate transaminase deficiency; 4 alpha aminobutyrate transaminase deficiency. Identifiers: Orphanet 2066, MedGen C0342708, MONDO:0013166, OMIM 613163.

Allele frequency attached by ClinVar (database versions not stated): ExAC 0.00001.
gnomAD v4.1: 11 of 1,614,050 alleles (0.00068%); highest among the groups gnomAD compares: African/African-American, 0.011%; no homozygotes.

Submission:

Labcorp Genetics (formerly Invitae), Labcorp
Classification: Uncertain significance for Gamma-aminobutyric acid transaminase deficiency. Last evaluated: 2021-08-26. Review status: criteria provided, single submitter. Criteria: Invitae Variant Classification Sherloc (09022015). Collection method: clinical testing. Allele origin: germline.
Comment: This sequence change replaces phenylalanine with leucine at codon 429 of the ABAT protein (p.Phe429Leu). The phenylalanine residue is weakly conserved and there is a small physicochemical difference between phenylalanine and leucine. This variant is present in population databases (rs772526517, ExAC 0.002%). This variant has not been reported in the literature in individuals affected with ABAT-related conditions. Algorithms developed to predict the effect of missense changes on protein structure and function output the following: SIFT: "Tolerated"; PolyPhen-2: "Benign"; Align-GVGD: "Class C0". The leucine amino acid residue is found in multiple mammalian species, which suggests that this missense change does not adversely affect protein function. In summary, the available evidence is currently insufficient to determine the role of this variant in disease. Therefore, it has been classified as a Variant of Uncertain Significance.